The following is an entry in ClinVar:

ClinVar aggregate classification (germline): Uncertain significance (1 of 4 stars; one submission).

Conditions:
Hereditary cancer-predisposing syndrome. Also called: Tumor predisposition; Hereditary Cancer Syndrome; Hereditary neoplastic syndrome; Neoplastic Syndromes, Hereditary. Identifiers: Orphanet 140162, MedGen C0027672, MeSH D009386, MONDO:0015356.

Submission:

Ambry Genetics
Classification: Uncertain significance for Hereditary cancer-predisposing syndrome. Last evaluated: 2024-04-09. Review status: criteria provided, single submitter. Criteria: Ambry Variant Classification Scheme 2023. Collection method: clinical testing. Allele origin: germline.
Comment: The p.S834C variant (also known as c.2500A>T), located in coding exon 4 of the MSH6 gene, results from an A to T substitution at nucleotide position 2500. The serine at codon 834 is replaced by cysteine, an amino acid with dissimilar properties. This amino acid position is conserved. In addition, the in silico prediction for this alteration is inconclusive. Based on the available evidence, the clinical significance of this variant remains unclear.

NM_000179.3(MSH6):c.2500A>T (p.Ser834Cys)

Gene: MSH6 (mutS homolog 6; plus strand). Cytogenetic location: 2p16.3.
Variant type: single nucleotide variant.
Coding change: c.2500A>T on transcript NM_000179.3 (MANE Select); coding-DNA position 2500, A replaced by T.
Protein change: p.Ser834Cys; replaces serine 834 with cysteine.
Molecular consequence: missense variant. On other transcripts: non-coding transcript variant (5), intron variant (3).
Genome position (GRCh38, 1-based): chr2:47,800,483, A>T. VCF-style: chr2-47800483-A-T. GRCh37 (hg19) VCF-style: chr2-48027622-A-T.
Other names: c.1975A>T, p.Ser659Cys (NM_001406799.1, NM_001406806.1, NM_001406807.1); c.2500A>T, p.Ser834Cys (NM_001406800.1, NM_001406808.1, NM_001406796.1 and 2 more transcripts); c.2203A>T, p.Ser735Cys (NM_001406801.1, NM_001406805.1, NM_001406821.1 and 10 more transcripts); c.2596A>T, p.Ser866Cys (NM_001406802.1, NM_001406795.1); c.2422A>T, p.Ser808Cys (NM_001406804.1); c.2110A>T, p.Ser704Cys (NM_001281492.2); c.1594A>T, p.Ser532Cys (NM_001281493.2, NM_001281494.2, NM_001406823.1 and 6 more transcripts); c.2332A>T, p.Ser778Cys (NM_001406826.1); and 4 more; short protein forms S836C, S659C, S735C, S866C, S808C, S834C, S532C, S704C.
Identifiers: ClinVar variation 3296374 (VCV003296374.1).